The following is an entry in ClinVar:

ClinVar aggregate classification (germline): Pathogenic (1 of 4 stars; one submission).

Conditions:
Fanconi anemia complementation group J. Also called: BRIP1-Related Fanconi Anemia. Identifiers: Orphanet 84, MedGen C1836860, MONDO:0012187, OMIM 609054.
Familial cancer of breast. Also called: BREAST CANCER, FAMILIAL; Hereditary breast cancer; hereditary breast carcinoma. Identifiers: Orphanet 227535, MedGen C0346153, MONDO:0016419, OMIM 114480. Disease mechanism: loss of function.

Submission:

Labcorp Genetics (formerly Invitae), Labcorp
Classification: Pathogenic for Familial cancer of breast; Fanconi anemia complementation group J. Last evaluated: 2023-07-13. Review status: criteria provided, single submitter. Criteria: Invitae Variant Classification Sherloc (09022015). Collection method: clinical testing. Allele origin: germline.
Comment: This sequence change creates a premature translational stop signal (p.Ile724Leufs*2) in the BRIP1 gene. It is expected to result in an absent or disrupted protein product. Loss-of-function variants in BRIP1 are known to be pathogenic (PMID: 16116423, 17033622, 21964575). This variant is not present in population databases (gnomAD no frequency). This variant has not been reported in the literature in individuals affected with BRIP1-related conditions. For these reasons, this variant has been classified as Pathogenic.

Literature cited by the submitters: PubMed 16116423; PubMed 17033622; PubMed 21964575.

NM_032043.3(BRIP1):c.2169del (p.Ile724fs)

Gene: BRIP1 (BRCA1 interacting DNA helicase 1; minus strand). Cytogenetic location: 17q23.2.
Variant type: Deletion.
Coding change: c.2169del on transcript NM_032043.3 (MANE Select); coding-DNA position 2169, one base deleted (C; older notation c.2169delC).
Protein change: p.Ile724fs; shifts the reading frame from isoleucine 724.
Molecular consequence: frameshift variant.
Genome position (GRCh38, 1-based): chr17:61,744,520, G deleted on the plus strand (C on the coding strand, the reverse complement: BRIP1 is on the minus strand). VCF-style (leftmost placement, unchanged base first): chr17-61744519-TG-T. GRCh37 (hg19) VCF-style: chr17-59821880-TG-T.
Other names: short protein forms I724fs.
Identifiers: ClinVar variation 2949825 (VCV002949825.3), dbSNP rs2544837771, ClinGen allele CA2740093854.